The following is an entry in ClinVar:

NM_001184880.2(PCDH19):c.646_655del (p.Pro216fs)

Gene: PCDH19 (protocadherin 19; minus strand). Cytogenetic location: Xq22.1.
Variant type: Deletion.
Coding change: c.646_655del on transcript NM_001184880.2 (MANE Select); coding-DNA positions 646 to 655, 10 bases deleted (CCGCCGCGCC; older notation c.646_655delCCGCCGCGCC).
Protein change: p.Pro216fs; shifts the reading frame from proline 216.
Molecular consequence: frameshift variant.
Genome position (GRCh38, 1-based): chrX:100,407,943-100,407,952, GGCGCGGCGG deleted on the plus strand (CCGCCGCGCC on the coding strand, the reverse complement: PCDH19 is on the minus strand); deleting any 10 consecutive bases within chrX:100,407,943-100,407,953 gives the same sequence; the c. name uses the placement nearest the transcript's 3' end. VCF-style (leftmost placement, unchanged base first): chrX-100407942-AGGCGCGGCGG-A. GRCh37 (hg19) VCF-style: chrX-99662940-AGGCGCGGCGG-A.
Other names: c.646_655del, p.Pro216fs (NM_001105243.2, NM_020766.3); short protein forms P216fs.
Identifiers: ClinVar variation 265659 (VCV000265659.2), dbSNP rs886039707, ClinGen allele CA10588730.

ClinVar aggregate classification (germline): Pathogenic (1 of 4 stars; one submission).

Submission:

GeneDx
Classification: Pathogenic. Last evaluated: 2017-05-31. Review status: criteria provided, single submitter. Criteria: GeneDx Variant Classification (06012015). Collection method: clinical testing. Allele origin: germline. Affected: yes.
Comment: The c.646_655del10 variant has not been published as a pathogenic variant, nor has it been reported as a benign variant to our knowledge. It was not observed in approximately 6,400 individuals of European and African American ancestry in the NHLBI Exome Sequencing Project, indicating it is not a common benign variant in these populations. The c.646_655del10 variant in the PCDH19 gene causes a frameshift starting with codon Proline 216 changes this amino acid to a Tryptophan residue and creates a premature Stop codon at position 10 of the new reading frame, denoted p.Pro216TrpfsX10. This variant is predicted to cause loss of normal protein function either through protein truncation or nonsense-mediated mRNA decay. Therefore, we interpret c.646_655del10 as a pathogenic variant.